The following is an entry in ClinVar:

NM_199242.3(UNC13D):c.2298+3A>G

Gene: UNC13D (unc-13 homolog D; minus strand). Cytogenetic location: 17q25.1.
Variant type: single nucleotide variant.
Coding change: c.2298+3A>G on transcript NM_199242.3 (MANE Select); 3 bases into the intron after coding-DNA position 2298, A replaced by G.
Molecular consequence: intron variant.
Genome position (GRCh38, 1-based): chr17:75,834,322, T>C on the plus strand (A>G on the coding strand, the complement: UNC13D is on the minus strand). VCF-style: chr17-75834322-T-C. GRCh37 (hg19) VCF-style: chr17-73830403-T-C.
Identifiers: ClinVar variation 1511317 (VCV001511317.5), dbSNP rs773604668, ClinGen allele CA8772617.

ClinVar aggregate classification (germline): Uncertain significance (1 of 4 stars; one submission).

Conditions:
Familial hemophagocytic lymphohistiocytosis 3 (FHL3). Also called: UNC13D-Related Familial Hemophagocytic Lymphohistiocytosis (UNC13D-fHLH). Identifiers: Orphanet 540, MedGen C1837174, MONDO:0012146, OMIM 608898.

Allele frequency attached by ClinVar (database versions not stated): gnomAD exomes 0.00001 and 0.00002; TOPMed 0.00002; ExAC 0.00004.
gnomAD v4.1: 7 of 1,594,298 alleles (0.00044%); highest among the groups gnomAD compares: Admixed American, 0.01%; no homozygotes.

Submission:

Labcorp Genetics (formerly Invitae), Labcorp
Classification: Uncertain significance for Familial hemophagocytic lymphohistiocytosis 3. Last evaluated: 2025-08-11. Review status: criteria provided, single submitter. Criteria: Invitae Variant Classification Sherloc (09022015). Collection method: clinical testing. Allele origin: germline.
Comment: This sequence change falls in intron 23 of the UNC13D gene. It does not directly change the encoded amino acid sequence of the UNC13D protein. It affects a nucleotide within the consensus splice site. This variant is present in population databases (rs773604668, gnomAD 0.01%). This variant has not been reported in the literature in individuals affected with UNC13D-related conditions. ClinVar contains an entry for this variant (Variation ID: 1511317). Variants that disrupt the consensus splice site are a relatively common cause of aberrant splicing (PMID: 17576681, 9536098). Algorithms developed to predict the effect of sequence changes on RNA splicing suggest that this variant may disrupt the consensus splice site. In summary, the available evidence is currently insufficient to determine the role of this variant in disease. Therefore, it has been classified as a Variant of Uncertain Significance.

Literature cited by the submitters: PubMed 17576681; PubMed 9536098.